The following is an entry in ClinVar:

ClinVar aggregate classification (germline): Uncertain significance (1 of 4 stars; one submission).

Conditions:
Susceptibility to respiratory infections associated with CD8alpha chain mutation (IMD116). Also called: Cd8 deficiency, familial; IMMUNODEFICIENCY 116. Identifiers: Orphanet 169085, MedGen C1837065, MONDO:0012161, OMIM 608957.

Submission:

Labcorp Genetics (formerly Invitae), Labcorp
Classification: Uncertain significance for Susceptibility to respiratory infections associated with CD8alpha chain mutation. Last evaluated: 2025-03-03. Review status: criteria provided, single submitter. Criteria: Invitae Variant Classification Sherloc (09022015). Collection method: clinical testing. Allele origin: germline.
Comment: This sequence change replaces proline, which is neutral and non-polar, with glutamine, which is neutral and polar, at codon 21 of the CD8A protein (p.Pro21Gln). This variant is not present in population databases (gnomAD no frequency). This variant has not been reported in the literature in individuals affected with CD8A-related conditions. An algorithm developed to predict the effect of missense changes on protein structure and function outputs the following: PolyPhen-2: "Possibly Damaging". The glutamine amino acid residue is found in multiple mammalian species, which suggests that this missense change does not adversely affect protein function. In summary, the available evidence is currently insufficient to determine the role of this variant in disease. Therefore, it has been classified as a Variant of Uncertain Significance.

NM_001768.7(CD8A):c.62C>A (p.Pro21Gln)

Gene: CD8A (CD8 subunit alpha; minus strand). Cytogenetic location: 2p11.2.
Variant type: single nucleotide variant.
Coding change: c.62C>A on transcript NM_001768.7 (MANE Select); coding-DNA position 62, C replaced by A.
Protein change: p.Pro21Gln; replaces proline 21 with glutamine.
Molecular consequence: missense variant. On other transcripts: non-coding transcript variant (3).
Genome position (GRCh38, 1-based): chr2:86,790,669, G>T on the plus strand (C>A on the coding strand, the complement: CD8A is on the minus strand). VCF-style: chr2-86790669-G-T. GRCh37 (hg19) VCF-style: chr2-87017792-G-T.
Other names: c.62C>A, p.Pro21Gln (NM_001145873.1, NM_001382698.1, NM_171827.4); short protein forms P21Q.
Identifiers: ClinVar variation 4712996 (VCV004712996.1).